The following is an entry in ClinVar:

ClinVar aggregate classification (germline): Uncertain significance (1 of 4 stars; one submission).

gnomAD v4.1: 1 of 1,612,724 alleles (0.000062%); no homozygotes.

Submission:

Labcorp Genetics (formerly Invitae), Labcorp
Classification: Uncertain significance. Last evaluated: 2024-09-16. Review status: criteria provided, single submitter. Criteria: Invitae Variant Classification Sherloc (09022015). Collection method: clinical testing. Allele origin: germline.
Comment: This sequence change replaces alanine, which is neutral and non-polar, with proline, which is neutral and non-polar, at codon 135 of the RP1 protein (p.Ala135Pro). This variant is not present in population databases (gnomAD no frequency). This variant has not been reported in the literature in individuals affected with RP1-related conditions. An algorithm developed to predict the effect of missense changes on protein structure and function outputs the following: PolyPhen-2: "Benign". The proline amino acid residue is found in multiple mammalian species, which suggests that this missense change does not adversely affect protein function. In summary, the available evidence is currently insufficient to determine the role of this variant in disease. Therefore, it has been classified as a Variant of Uncertain Significance.

NM_006269.2(RP1):c.403G>C (p.Ala135Pro)

Gene: RP1 (RP1 axonemal microtubule associated; plus strand). Cytogenetic location: 8q12.1.
Variant type: single nucleotide variant.
Coding change: c.403G>C on transcript NM_006269.2 (MANE Select); coding-DNA position 403, G replaced by C.
Protein change: p.Ala135Pro; replaces alanine 135 with proline.
Molecular consequence: missense variant.
Genome position (GRCh38, 1-based): chr8:54,621,369, G>C. VCF-style: chr8-54621369-G-C. GRCh37 (hg19) VCF-style: chr8-55533929-G-C.
Other names: c.403G>C, p.Ala135Pro (NM_001375654.1); short protein forms A135P.
Identifiers: ClinVar variation 3674303 (VCV003674303.2).